The following is an entry in ClinVar:

NM_013247.5(HTRA2):c.178C>T (p.Arg60Trp)

Gene: HTRA2 (HtrA serine peptidase 2; plus strand). Cytogenetic location: 2p13.1.
Variant type: single nucleotide variant.
Coding change: c.178C>T on transcript NM_013247.5 (MANE Select); coding-DNA position 178, C replaced by T.
Protein change: p.Arg60Trp; replaces arginine 60 with tryptophan.
Molecular consequence: missense variant. On other transcripts: non-coding transcript variant (1).
Genome position (GRCh38, 1-based): chr2:74,530,184, C>T. VCF-style: chr2-74530184-C-T. GRCh37 (hg19) VCF-style: chr2-74757311-C-T.
Other names: c.178C>T, p.Arg60Trp (NM_001321727.1, NM_001321728.1, NM_145074.2); short protein forms R60W.
Identifiers: ClinVar variation 1930735 (VCV001930735.4), dbSNP rs1333355602, ClinGen allele CA347376796.

ClinVar aggregate classification (germline): Uncertain significance. Review status: criteria provided, multiple submitters, no conflicts (2 of 4 stars). 2 submissions from 2 submitters: Uncertain significance (2). Last evaluated 2023-08-15.

Conditions:
Inborn genetic diseases. Identifiers: MedGen C0950123, MeSH D030342.

Allele frequency attached by ClinVar (database versions not stated): TOPMed 0.00001; gnomAD 0.00003.
gnomAD v4.1: 55 of 1,611,522 alleles (0.0034%); highest among the groups gnomAD compares: East Asian, 0.11%; no homozygotes.

Submissions (2):

Ambry Genetics
Classification: Uncertain significance for Inborn genetic diseases. Last evaluated: 2023-08-15. Review status: criteria provided, single submitter. Criteria: Ambry Variant Classification Scheme 2023. Collection method: clinical testing. Allele origin: germline.

Labcorp Genetics (formerly Invitae), Labcorp
Classification: Uncertain significance. Last evaluated: 2022-05-07. Review status: criteria provided, single submitter. Criteria: Invitae Variant Classification Sherloc (09022015). Collection method: clinical testing. Allele origin: germline.
Comment: This sequence change replaces arginine, which is basic and polar, with tryptophan, which is neutral and slightly polar, at codon 60 of the HTRA2 protein (p.Arg60Trp). The frequency data for this variant in the population databases is considered unreliable, as metrics indicate poor data quality at this position in the gnomAD database. This variant has not been reported in the literature in individuals affected with HTRA2-related conditions. Algorithms developed to predict the effect of missense changes on protein structure and function output the following: SIFT: "Deleterious"; PolyPhen-2: "Possibly Damaging"; Align-GVGD: "Class C0". The tryptophan amino acid residue is found in multiple mammalian species, which suggests that this missense change does not adversely affect protein function. In summary, the available evidence is currently insufficient to determine the role of this variant in disease. Therefore, it has been classified as a Variant of Uncertain Significance.